The following is an entry in ClinVar:

ClinVar aggregate classification (germline): Conflicting classifications of pathogenicity. Review status: criteria provided, conflicting classifications (1 of 4 stars). 2 submissions from 2 submitters: Uncertain significance (1); Likely benign (1). Last evaluated 2023-04-24.

Allele frequency attached by ClinVar (database versions not stated): gnomAD exomes below 0.00001; ExAC 0.00003; gnomAD 0.00005; TOPMed 0.00005; ESP Exome Variant Server 0.00023.

Submissions (2):

Labcorp Genetics (formerly Invitae), Labcorp
Classification: Uncertain significance. Last evaluated: 2023-04-24. Review status: criteria provided, single submitter. Criteria: Invitae Variant Classification Sherloc (09022015). Collection method: clinical testing. Allele origin: germline.
Comment: This sequence change affects codon 61 of the TFRC mRNA. It is a 'silent' change, meaning that it does not change the encoded amino acid sequence of the TFRC protein. This variant is present in population databases (rs146583130, gnomAD 0.04%). This variant has not been reported in the literature in individuals affected with TFRC-related conditions. ClinVar contains an entry for this variant (Variation ID: 1935773). In summary, the available evidence is currently insufficient to determine the role of this variant in disease. Therefore, it has been classified as a Variant of Uncertain Significance. Algorithms developed to predict the effect of sequence changes on RNA splicing suggest that this variant may disrupt the consensus splice site.

Blueprint Genetics
Classification: Likely benign. Last evaluated: 2021-06-03. Review status: criteria provided, single submitter. Criteria: ACMG Guidelines, 2015. Collection method: clinical testing. Allele origin: germline.

NM_001128148.3(TFRC):c.183G>A (p.Arg61=)

Gene: TFRC (transferrin receptor; minus strand). Cytogenetic location: 3q29.
Variant type: single nucleotide variant.
Coding change: c.183G>A on transcript NM_001128148.3 (MANE Select); coding-DNA position 183, G replaced by A.
Protein change: p.Arg61=; no amino-acid change (arginine 61 retained).
Molecular consequence: synonymous variant. On other transcripts: intron variant (2).
Genome position (GRCh38, 1-based): chr3:196,075,214, C>T on the plus strand (G>A on the coding strand, the complement: TFRC is on the minus strand). VCF-style: chr3-196075214-C-T. GRCh37 (hg19) VCF-style: chr3-195802085-C-T.
Other names: c.183G>A, p.Arg61= (NM_003234.4); c.-413+1850G>A (NM_001313966.2); c.-5-1089G>A (NM_001313965.2).
Identifiers: ClinVar variation 1935773 (VCV001935773.6), dbSNP rs146583130, ClinGen allele CA2778381.